The following is an entry in ClinVar:

ClinVar aggregate classification (germline): Pathogenic (1 of 4 stars; one submission).

Conditions:
Pyridoxine-dependent epilepsy (EPEO4). Also called: Pyridoxine-Dependent Seizures; Pyridoxine-Dependent Epilepsy - ALDH7A1; PYRIDOXINE DEPENDENCY WITH SEIZURES; EPILEPSY, EARLY-ONSET, 4, VITAMIN B6-DEPENDENT. Identifiers: Orphanet 3006, MedGen C1849508, MONDO:0009945, OMIM 266100. Disease mechanism: loss of function.

Submission:

Labcorp Genetics (formerly Invitae), Labcorp
Classification: Pathogenic for Pyridoxine-dependent epilepsy. Last evaluated: 2020-09-15. Review status: criteria provided, single submitter. Criteria: Invitae Variant Classification Sherloc (09022015). Collection method: clinical testing. Allele origin: germline.
Comment: This variant has not been reported in the literature in individuals with ALDH7A1-related conditions. This variant is not present in population databases (ExAC no frequency). This sequence change creates a premature translational stop signal (p.Glu180Glyfs*48) in the ALDH7A1 gene. It is expected to result in an absent or disrupted protein product. For these reasons, this variant has been classified as Pathogenic. Loss-of-function variants in ALDH7A1 are known to be pathogenic (PMID: 16491085, 20554659).

Literature cited by the submitters: PubMed 16491085; PubMed 20554659.

NM_001182.5(ALDH7A1):c.538dup (p.Glu180fs)

Gene: ALDH7A1 (aldehyde dehydrogenase 7 family member A1; minus strand). Cytogenetic location: 5q23.2.
Variant type: Duplication.
Coding change: c.538dup on transcript NM_001182.5 (MANE Select); coding-DNA position 538, one base duplicated (G; older notation c.538dupG).
Protein change: p.Glu180fs; shifts the reading frame from glutamic acid 180.
Molecular consequence: frameshift variant.
Genome position (GRCh38, 1-based): chr5:126,577,191, C duplicated on the plus strand (G on the coding strand, the reverse complement: ALDH7A1 is on the minus strand). VCF-style (leftmost placement, unchanged base first): chr5-126577190-T-TC. GRCh37 (hg19) VCF-style: chr5-125912882-T-TC.
Other names: c.454dup, p.Glu152fs (NM_001201377.2); c.538dup, p.Glu180fs (NM_001202404.2); short protein forms E152fs, E180fs.
Identifiers: ClinVar variation 1075197 (VCV001075197.9), dbSNP rs2112794702, ClinGen allele CA2499217525.
Genomic context (GRCh38, chr5:126,577,190, plus strand): 5'-ACTGCCACAGGGAAATTGAATGCCGTGATGATTCCAACCAGGCCTACGGGATTCCACTGC[T>TC]CAATCAGTGCATGGCCAGATCCTGAGGACAGAAAAAGGATGGAACATGCAGAAGCATGTT-3'